The following is an entry in ClinVar:

ClinVar aggregate classification (germline): Uncertain significance (1 of 4 stars; one submission).

Conditions:
Hereditary cancer-predisposing syndrome. Also called: Tumor predisposition; Hereditary Cancer Syndrome; Hereditary neoplastic syndrome; Neoplastic Syndromes, Hereditary. Identifiers: Orphanet 140162, MedGen C0027672, MeSH D009386, MONDO:0015356.

Submission:

Ambry Genetics
Classification: Uncertain significance for Hereditary cancer-predisposing syndrome. Last evaluated: 2024-06-15. Review status: criteria provided, single submitter. Criteria: Ambry Variant Classification Scheme 2023. Collection method: clinical testing. Allele origin: germline.
Comment: The p.R1791I variant (also known as c.5372G>T), located in coding exon 24 of the DICER1 gene, results from a G to T substitution at nucleotide position 5372. The arginine at codon 1791 is replaced by isoleucine, an amino acid with similar properties. This amino acid position is conserved. In addition, the in silico prediction for this alteration is inconclusive. Based on the available evidence, the clinical significance of this variant remains unclear.

NM_177438.3(DICER1):c.5372G>T (p.Arg1791Ile)

Gene: DICER1 (dicer 1, ribonuclease III; minus strand). Cytogenetic location: 14q32.13.
Variant type: single nucleotide variant.
Coding change: c.5372G>T on transcript NM_177438.3 (MANE Select); coding-DNA position 5372, G replaced by T.
Protein change: p.Arg1791Ile; replaces arginine 1791 with isoleucine.
Molecular consequence: missense variant. On other transcripts: non-coding transcript variant (6), intron variant (1).
Genome position (GRCh38, 1-based): chr14:95,091,358, C>A on the plus strand (G>T on the coding strand, the complement: DICER1 is on the minus strand). VCF-style: chr14-95091358-C-A. GRCh37 (hg19) VCF-style: chr14-95557695-C-A.
Other names: c.5372G>T, p.Arg1791Ile (NM_001271282.3, NM_001291628.2, NM_001395677.1 and 7 more transcripts); c.5090G>T, p.Arg1697Ile (NM_001395686.1); c.4967G>T, p.Arg1656Ile (NM_001395687.1, NM_001395688.1, NM_001395689.1 and 1 more transcripts); c.4805G>T, p.Arg1602Ile (NM_001395691.1); c.3689G>T, p.Arg1230Ile (NM_001395697.1); c.5365-249G>T (NM_001195573.1); short protein forms R1656I, R1230I, R1697I, R1602I, R1791I.
Identifiers: ClinVar variation 3272053 (VCV003272053.1).